The following is an entry in ClinVar:

ClinVar aggregate classification (germline): Uncertain significance (1 of 4 stars; one submission).

Conditions:
Fanconi anemia (FA). Also called: Fanconi's anemia. Identifiers: Orphanet 84, MedGen C0015625, MeSH D005199, MONDO:0019391.

gnomAD v4.1: 1 of 1,612,234 alleles (0.000062%); highest among the groups gnomAD compares: Non-Finnish European, 0.000085%; no homozygotes.

Submission:

Labcorp Genetics (formerly Invitae), Labcorp
Classification: Uncertain significance for Fanconi anemia. Last evaluated: 2024-01-18. Review status: criteria provided, single submitter. Criteria: Invitae Variant Classification Sherloc (09022015). Collection method: clinical testing. Allele origin: germline.
Comment: This sequence change replaces histidine, which is basic and polar, with tyrosine, which is neutral and polar, at codon 899 of the FANCD2 protein (p.His899Tyr). This variant is not present in population databases (gnomAD no frequency). This variant has not been reported in the literature in individuals affected with FANCD2-related conditions. Advanced modeling of protein sequence and biophysical properties (such as structural, functional, and spatial information, amino acid conservation, physicochemical variation, residue mobility, and thermodynamic stability) performed at Invitae indicates that this missense variant is not expected to disrupt FANCD2 protein function with a negative predictive value of 80%. In summary, the available evidence is currently insufficient to determine the role of this variant in disease. Therefore, it has been classified as a Variant of Uncertain Significance.

NM_001018115.3(FANCD2):c.2695C>T (p.His899Tyr)

Genes: FANCD2 (FA complementation group D2; plus strand), LOC107303338 (3p25 FANCD2 Alu-mediated recombination region; plus strand). Cytogenetic location: 3p25.3.
Variant type: single nucleotide variant.
Coding change: c.2695C>T on transcript NM_001018115.3 (MANE Select); coding-DNA position 2695, C replaced by T.
Protein change: p.His899Tyr; replaces histidine 899 with tyrosine.
Molecular consequence: missense variant.
Genome position (GRCh38, 1-based): chr3:10,073,342, C>T. VCF-style: chr3-10073342-C-T. GRCh37 (hg19) VCF-style: chr3-10115026-C-T.
Other names: c.2695C>T, p.His899Tyr (NM_001319984.2, NM_001374254.1, NM_033084.6); c.2584C>T, p.His862Tyr (NM_001374253.1); short protein forms H899Y, H862Y.
Identifiers: ClinVar variation 3024017 (VCV003024017.3), dbSNP rs770051715, ClinGen allele CA351743041.